The following is an entry in ClinVar:

ClinVar aggregate classification (germline): Benign. Review status: criteria provided, single submitter (1 of 4 stars). 2 submissions from 2 submitters: Benign (1). 1 of the submissions does not count toward it. Last evaluated 2021-07-16.

Conditions:
TUBA4A-related disorder. Also called: TUBA4A-related condition.

Allele frequency attached by ClinVar (database versions not stated): gnomAD exomes 0.00039; ExAC 0.00042; gnomAD 0.00137 and 0.00148; ESP Exome Variant Server 0.00138; TOPMed 0.00159; 1000 Genomes Project 0.00220; 1000 Genomes Project 30x 0.00234.

Submissions (2):

GeneDx
Classification: Benign. Last evaluated: 2021-07-16. Review status: criteria provided, single submitter. Criteria: GeneDx Variant Classification Process June 2021. Collection method: clinical testing. Allele origin: germline. Affected: yes.

PreventionGenetics, part of Exact Sciences
Classification: Likely benign for TUBA4A-related condition. Last evaluated: 2023-02-07. Review status: no assertion criteria provided. Collection method: clinical testing. Allele origin: germline. Not counted in ClinVar's aggregate classification.
Comment: This variant is classified as likely benign based on ACMG/AMP sequence variant interpretation guidelines (Richards et al. 2015 PMID: 25741868, with internal and published modifications).

NM_006000.3(TUBA4A):c.270G>A (p.Glu90=)

Gene: TUBA4A (tubulin alpha 4a; minus strand). Cytogenetic location: 2q35.
Variant type: single nucleotide variant.
Coding change: c.270G>A on transcript NM_006000.3 (MANE Select); coding-DNA position 270, G replaced by A.
Protein change: p.Glu90=; no amino-acid change (glutamic acid 90 retained).
Molecular consequence: synonymous variant.
Genome position (GRCh38, 1-based): chr2:219,251,670, C>T on the plus strand (G>A on the coding strand, the complement: TUBA4A is on the minus strand). VCF-style: chr2-219251670-C-T. GRCh37 (hg19) VCF-style: chr2-220116392-C-T.
Other names: c.225G>A, p.Glu75= (NM_001278552.2).
Identifiers: ClinVar variation 1304759 (VCV001304759.4), dbSNP rs45571337, ClinGen allele CA2122498.
Genomic context (GRCh38, chr2:219,251,670, plus strand): 5'-AATGGTATAGTGACCACGGGCATAGTTGTTGGCAGCATCCTCTTTCCCAGTGATGAGCTG[C>T]TCTGGGTGGAAGAGCTGTCGGTATGGGCCATTTCGGATCTCATCTGGAAGGGCAAAAACC-3'
Protein context (NP_005991.1, residues 80-100): NGPYRQLFHP[Glu90=]QLITGKEDAA